The following is an entry in ClinVar:

ClinVar aggregate classification (germline): Uncertain significance (1 of 4 stars; one submission).

Allele frequency attached by ClinVar (database versions not stated): gnomAD exomes below 0.00001; TOPMed below 0.00001; gnomAD 0.00001; ExAC 0.00002.
gnomAD v4.1: 9 of 1,613,416 alleles (0.00056%); highest among the groups gnomAD compares: Non-Finnish European, 0.00059%; no homozygotes.

Submission:

Labcorp Genetics (formerly Invitae), Labcorp
Classification: Uncertain significance. Last evaluated: 2023-07-18. Review status: criteria provided, single submitter. Criteria: Invitae Variant Classification Sherloc (09022015). Collection method: clinical testing. Allele origin: germline.
Comment: Experimental studies and prediction algorithms are not available or were not evaluated, and the functional significance of this variant is currently unknown. In summary, the available evidence is currently insufficient to determine the role of this variant in disease. Therefore, it has been classified as a Variant of Uncertain Significance. This variant has not been reported in the literature in individuals affected with EXOC6B-related conditions. This variant is present in population databases (rs766994957, gnomAD 0.002%). This sequence change replaces glutamic acid, which is acidic and polar, with lysine, which is basic and polar, at codon 54 of the EXOC6B protein (p.Glu54Lys).

NM_015189.3(EXOC6B):c.160G>A (p.Glu54Lys)

Gene: EXOC6B (exocyst complex component 6B; minus strand). Cytogenetic location: 2p13.2.
Variant type: single nucleotide variant.
Coding change: c.160G>A on transcript NM_015189.3 (MANE Select); coding-DNA position 160, G replaced by A.
Protein change: p.Glu54Lys; replaces glutamic acid 54 with lysine.
Molecular consequence: missense variant. On other transcripts: non-coding transcript variant (2), intron variant (1).
Genome position (GRCh38, 1-based): chr2:72,741,423, C>T on the plus strand (G>A on the coding strand, the complement: EXOC6B is on the minus strand). VCF-style: chr2-72741423-C-T. GRCh37 (hg19) VCF-style: chr2-72968552-C-T.
Other names: c.160G>A, p.Glu54Lys (NM_001321729.2, NM_001321730.2, NM_001321731.2 and 1 more transcripts); c.-60-8305G>A (NM_001321734.2); short protein forms E54K.
Identifiers: ClinVar variation 3015496 (VCV003015496.3), dbSNP rs766994957, ClinGen allele CA1708816.